The following is an entry in ClinVar:

NM_152618.3(BBS12):c.87C>T (p.Phe29=)

Gene: BBS12 (Bardet-Biedl syndrome 12; plus strand). Cytogenetic location: 4q27.
Variant type: single nucleotide variant.
Coding change: c.87C>T on transcript NM_152618.3 (MANE Select); coding-DNA position 87, C replaced by T.
Protein change: p.Phe29=; no amino-acid change (phenylalanine 29 retained).
Molecular consequence: synonymous variant.
Genome position (GRCh38, 1-based): chr4:122,741,979, C>T. VCF-style: chr4-122741979-C-T. GRCh37 (hg19) VCF-style: chr4-123663134-C-T.
Other names: c.87C>T, p.Phe29= (NM_001178007.2); c.87C>T (NM_152618.2).
Identifiers: ClinVar variation 1138206 (VCV001138206.8), dbSNP rs2150735866, ClinGen allele CA441120116.

ClinVar aggregate classification (germline): Likely benign. Review status: criteria provided, single submitter (1 of 4 stars). 2 submissions from 2 submitters: Likely benign (1). 1 of the submissions does not count toward it. Last evaluated 2020-05-14.

Conditions:
BBS12-related disorder. Also called: BBS12-related condition.
Bardet-Biedl syndrome (BBS). Identifiers: Orphanet 110, MedGen C0752166, MONDO:0015229.

Submissions (2):

Labcorp Genetics (formerly Invitae), Labcorp
Classification: Likely benign for Bardet-Biedl syndrome. Last evaluated: 2020-05-14. Review status: criteria provided, single submitter. Criteria: Invitae Variant Classification Sherloc (09022015). Collection method: clinical testing. Allele origin: germline.

PreventionGenetics, part of Exact Sciences
Classification: Likely benign for BBS12-related condition. Last evaluated: 2021-12-08. Review status: no assertion criteria provided. Collection method: clinical testing. Allele origin: germline. Not counted in ClinVar's aggregate classification.
Comment: This variant is classified as likely benign based on ACMG/AMP sequence variant interpretation guidelines (Richards et al. 2015 PMID: 25741868, with internal and published modifications).